The following is an entry in ClinVar:

NM_007294.4(BRCA1):c.70_71insTGTC (p.Cys24fs)

Gene: BRCA1 (BRCA1 DNA repair associated; minus strand). Cytogenetic location: 17q21.31.
Variant type: Insertion.
Coding change: c.70_71insTGTC on transcript NM_007294.4 (MANE Select); coding-DNA positions 70 to 71, TGTC inserted.
Protein change: p.Cys24fs; shifts the reading frame from cysteine 24.
Molecular consequence: frameshift variant. On other transcripts: 5 prime UTR variant (1), non-coding transcript variant (1).
Genome position: GRCh38 VCF-style: chr17-43124026-C-CGACA. GRCh37 (hg19) VCF-style: chr17-41276043-C-CGACA.
Other names: 189ins4; c.-18_-17insTGTC (NM_001407945.1, NM_001408454.1, NM_001408459.1 and 23 more transcripts); c.-119_-118insTGTC (NM_001407946.1, NM_001407947.1, NM_001407948.1 and 46 more transcripts); c.-238_-237insTGTC (NM_001407954.1, NM_001408513.1, NM_001407917.1); c.-350_-349insTGTC (NM_001407965.1); c.70_71insTGTC, p.Cys24Leufs (NM_001407968.1, NM_001407969.1, NM_001407970.1 and 191 more transcripts); c.-191_-190insTGTC (NM_001408410.1, NM_001408452.1, NM_001408462.1 and 22 more transcripts); c.-188_-187insTGTC (NM_001408455.1, NM_001408456.1, NM_001408468.1 and 11 more transcripts); and 10 more; short protein forms C24fs.
Identifiers: ClinVar variation 125512 (VCV000125512.3), dbSNP rs80357536, ClinGen allele CA003825.

ClinVar aggregate classification (germline): Pathogenic. Review status: reviewed by expert panel (3 of 4 stars). 3 submissions from 3 submitters: Pathogenic (1). 2 of the submissions do not count toward it. Last evaluated 2016-09-08.

Conditions:
Breast-ovarian cancer, familial, susceptibility to, 1 (BROVCA1). Also called: BRCA1 Hereditary Breast and Ovarian Cancer; OVARIAN CANCER, SUSCEPTIBILITY TO. Identifiers: Orphanet 145, MedGen C2676676, MONDO:0011450, OMIM 604370. Disease mechanism: loss of function.

Submissions (3):

Evidence-based Network for the Interpretation of Germline Mutant Alleles (ENIGMA)
Classification: Pathogenic for Breast-ovarian cancer, familial, susceptibility to, 1. Last evaluated: 2016-09-08. Review status: reviewed by expert panel. Criteria: ENIGMA BRCA1/2 Classification Criteria (2015). Collection method: curation. Allele origin: germline.
Comment: Variant allele predicted to encode a truncated non-functional protein.

Genologica Medica
Classification: Pathogenic for Breast-ovarian cancer, familial, susceptibility to, 1. Last evaluated: 2017-01-01. Review status: criteria provided, single submitter. Criteria: ACMG Guidelines, 2015. Collection method: clinical testing. Allele origin: germline. Affected: yes. Not counted in ClinVar's aggregate classification.

Breast Cancer Information Core (BIC) (BRCA1)
Classification: Pathogenic for Breast-ovarian cancer, familial 1. Last evaluated: 1999-06-23. Review status: no assertion criteria provided. Collection method: clinical testing. Allele origin: somatic. Affected: yes. Observed: 1 variant allele. Not counted in ClinVar's aggregate classification.

Literature cited by the submitters: PubMed 9291911 (cited by Breast Cancer Information Core (BIC) (BRCA1)).